The following is an entry in ClinVar:

ClinVar aggregate classification (germline): Uncertain significance. Review status: criteria provided, multiple submitters, no conflicts (2 of 4 stars). 2 submissions from 2 submitters: Uncertain significance (2). Last evaluated 2025-01-24.

Allele frequency attached by ClinVar (database versions not stated): ExAC 0.00001; TOPMed 0.00002.
gnomAD v4.1: 68 of 1,613,556 alleles (0.0042%); highest among the groups gnomAD compares: East Asian, 0.11%; no homozygotes.

Submissions (2):

Ambry Genetics
Classification: Uncertain significance. Last evaluated: 2025-01-24. Review status: criteria provided, single submitter. Criteria: Ambry Variant Classification Scheme 2023. Collection method: clinical testing. Allele origin: germline.

Labcorp Genetics (formerly Invitae), Labcorp
Classification: Uncertain significance. Last evaluated: 2022-07-19. Review status: criteria provided, single submitter. Criteria: Invitae Variant Classification Sherloc (09022015). Collection method: clinical testing. Allele origin: germline.
Comment: Algorithms developed to predict the effect of missense changes on protein structure and function are either unavailable or do not agree on the potential impact of this missense change (SIFT: "Deleterious"; PolyPhen-2: "Benign"; Align-GVGD: "Class C65"). In summary, the available evidence is currently insufficient to determine the role of this variant in disease. Therefore, it has been classified as a Variant of Uncertain Significance. This variant is present in population databases (rs111729674, gnomAD 0.003%). This variant has not been reported in the literature in individuals affected with MYH7B-related conditions. This sequence change replaces threonine, which is neutral and polar, with methionine, which is neutral and non-polar, at codon 1324 of the MYH7B protein (p.Thr1324Met).

NM_020884.7(MYH7B):c.3845C>T (p.Thr1282Met)

Gene: MYH7B (myosin heavy chain 7B; plus strand). Cytogenetic location: 20q11.22.
Variant type: single nucleotide variant.
Coding change: c.3845C>T on transcript NM_020884.7 (MANE Select); coding-DNA position 3845, C replaced by T.
Protein change: p.Thr1282Met; replaces threonine 1282 with methionine.
Molecular consequence: missense variant.
Genome position (GRCh38, 1-based): chr20:34,998,392, C>T. VCF-style: chr20-34998392-C-T. GRCh37 (hg19) VCF-style: chr20-33586195-C-T.
Other names: c.3971C>T (NM_020884.3); short protein forms T1282M.
Identifiers: ClinVar variation 1913407 (VCV001913407.6), dbSNP rs111729674, ClinGen allele CA9827876.